The following is an entry in ClinVar:

NM_000287.4(PEX6):c.1166T>C (p.Val389Ala)

Gene: PEX6 (peroxisomal biogenesis factor 6; minus strand). Cytogenetic location: 6p21.1.
Variant type: single nucleotide variant.
Coding change: c.1166T>C on transcript NM_000287.4 (MANE Select); coding-DNA position 1166, T replaced by C.
Protein change: p.Val389Ala; replaces valine 389 with alanine.
Molecular consequence: missense variant. On other transcripts: non-coding transcript variant (1).
Genome position (GRCh38, 1-based): chr6:42,969,952, A>G on the plus strand (T>C on the coding strand, the complement: PEX6 is on the minus strand). VCF-style: chr6-42969952-A-G. GRCh37 (hg19) VCF-style: chr6-42937690-A-G.
Other names: c.902T>C, p.Val301Ala (NM_001316313.2); short protein forms V301A, V389A.
Identifiers: ClinVar variation 1398974 (VCV001398974.5), dbSNP rs1043201555, ClinGen allele CA138227911.

ClinVar aggregate classification (germline): Uncertain significance (1 of 4 stars; one submission).

Conditions:
Peroxisome biogenesis disorder. Identifiers: Orphanet 79189, MedGen C1832200, MONDO:0019234. Disease mechanism: loss of function.

Allele frequency attached by ClinVar (database versions not stated): gnomAD exomes below 0.00001.

Submission:

Labcorp Genetics (formerly Invitae), Labcorp
Classification: Uncertain significance for Peroxisome biogenesis disorder. Last evaluated: 2021-10-28. Review status: criteria provided, single submitter. Criteria: Invitae Variant Classification Sherloc (09022015). Collection method: clinical testing. Allele origin: germline.
Comment: This sequence change replaces valine, which is neutral and non-polar, with alanine, which is neutral and non-polar, at codon 389 of the PEX6 protein (p.Val389Ala). This variant is not present in population databases (gnomAD no frequency). This variant has not been reported in the literature in individuals affected with PEX6-related conditions. Algorithms developed to predict the effect of missense changes on protein structure and function output the following: SIFT: "Tolerated"; PolyPhen-2: "Benign"; Align-GVGD: "Class C0". The alanine amino acid residue is found in multiple mammalian species, which suggests that this missense change does not adversely affect protein function. In summary, the available evidence is currently insufficient to determine the role of this variant in disease. Therefore, it has been classified as a Variant of Uncertain Significance.